The following is an entry in ClinVar:

NM_004519.4(KCNQ3):c.478-16A>T

Gene: KCNQ3 (potassium voltage-gated channel subfamily Q member 3; minus strand). Cytogenetic location: 8q24.22.
Variant type: single nucleotide variant.
Coding change: c.478-16A>T on transcript NM_004519.4 (MANE Select); 16 bases into the intron before coding-DNA position 478, A replaced by T.
Molecular consequence: intron variant.
Genome position (GRCh38, 1-based): chr8:132,184,383, T>A on the plus strand (A>T on the coding strand, the complement: KCNQ3 is on the minus strand). VCF-style: chr8-132184383-T-A. GRCh37 (hg19) VCF-style: chr8-133196630-T-A.
Other names: c.118-16A>T (NM_001204824.2).
Identifiers: ClinVar variation 392173 (VCV000392173.4), dbSNP rs781487724, ClinGen allele CA4880906.

ClinVar aggregate classification (germline): Likely benign. Review status: criteria provided, multiple submitters, no conflicts (2 of 4 stars). 2 submissions from 2 submitters: Likely benign (2). Last evaluated 2023-10-28.

Conditions:
Benign neonatal seizures. Also called: Benign familial neonatal epilepsy; Convulsions benign familial neonatal dominant form; Autosomal dominant form of benign neonatal seizures; Benign familial neonatal seizures; Benign neonatal familial convulsions. Identifiers: Orphanet 1949, MedGen C0220669, MONDO:0016027.

gnomAD v4.1: 12 of 1,613,780 alleles (0.00074%); highest among the groups gnomAD compares: African/African-American, 0.0013%; no homozygotes.

Submissions (2):

Labcorp Genetics (formerly Invitae), Labcorp
Classification: Likely benign for Benign neonatal seizures. Last evaluated: 2023-10-28. Review status: criteria provided, single submitter. Criteria: Invitae Variant Classification Sherloc (09022015). Collection method: clinical testing. Allele origin: germline.

GeneDx
Classification: Likely benign. Last evaluated: 2016-12-22. Review status: criteria provided, single submitter. Criteria: GeneDx Variant Classification (06012015). Collection method: clinical testing. Allele origin: germline. Affected: yes.
Comment: This variant is considered likely benign or benign based on one or more of the following criteria: it is a conservative change, it occurs at a poorly conserved position in the protein, it is predicted to be benign by multiple in silico algorithms, and/or has population frequency not consistent with disease.